The following is an entry in ClinVar:

NM_020529.3(NFKBIA):c.595G>A (p.Val199Met)

Gene: NFKBIA (NFKB inhibitor alpha; minus strand). Cytogenetic location: 14q13.2.
Variant type: single nucleotide variant.
Coding change: c.595G>A on transcript NM_020529.3 (MANE Select); coding-DNA position 595, G replaced by A.
Protein change: p.Val199Met; replaces valine 199 with methionine.
Molecular consequence: missense variant.
Genome position (GRCh38, 1-based): chr14:35,402,812, C>T on the plus strand (G>A on the coding strand, the complement: NFKBIA is on the minus strand). VCF-style: chr14-35402812-C-T. GRCh37 (hg19) VCF-style: chr14-35872018-C-T.
Other names: short protein forms V199M.
Identifiers: ClinVar variation 2877584 (VCV002877584.3), dbSNP rs779399614, ClinGen allele CA389452531.

ClinVar aggregate classification (germline): Uncertain significance (1 of 4 stars; one submission).

Conditions:
Ectodermal dysplasia and immunodeficiency 2. Identifiers: Orphanet 238468, Orphanet 98813, MedGen C2677481, MONDO:0012806, OMIM 612132.

gnomAD v4.1: 1 of 1,614,214 alleles (0.000062%); highest among the groups gnomAD compares: Non-Finnish European, 0.000085%; no homozygotes.

Submission:

Labcorp Genetics (formerly Invitae), Labcorp
Classification: Uncertain significance for Ectodermal dysplasia and immunodeficiency 2. Last evaluated: 2023-09-28. Review status: criteria provided, single submitter. Criteria: Invitae Variant Classification Sherloc (09022015). Collection method: clinical testing. Allele origin: germline.
Comment: In summary, the available evidence is currently insufficient to determine the role of this variant in disease. Therefore, it has been classified as a Variant of Uncertain Significance. An algorithm developed to predict the effect of missense changes on protein structure and function (PolyPhen-2) suggests that this variant is likely to be disruptive. This variant has not been reported in the literature in individuals affected with NFKBIA-related conditions. This variant is not present in population databases (gnomAD no frequency). This sequence change replaces valine, which is neutral and non-polar, with methionine, which is neutral and non-polar, at codon 199 of the NFKBIA protein (p.Val199Met).